The following is an entry in ClinVar:

ClinVar aggregate classification (germline): Pathogenic/Likely pathogenic. Review status: criteria provided, multiple submitters, no conflicts (2 of 4 stars). 2 submissions from 2 submitters: Pathogenic (1); Likely pathogenic (1). Last evaluated 2025-11-06.

Conditions:
Curry-Hall syndrome (WAD). Also called: WEYERS ACRODENTAL DYSOSTOSIS. Identifiers: Orphanet 952, MedGen C0457013, MONDO:0008673, OMIM 193530.
Ellis-van Creveld syndrome (EVC). Also called: MESOECTODERMAL DYSPLASIA; Chondroectodermal dysplasia; EVC-Related Ellis-van Creveld Syndrome; EVC2-Related Ellis-van Creveld Syndrome. Identifiers: Orphanet 289, MedGen C0013903, MONDO:0009162, OMIM 225500.

Submissions (2):

Women's Health and Genetics/Laboratory Corporation of America, LabCorp
Classification: Pathogenic for Ellis-van Creveld syndrome. Last evaluated: 2025-11-06. Review status: criteria provided, single submitter. Criteria: LabCorp Variant Classification Summary - May 2015. Collection method: clinical testing. Allele origin: germline.
Comment: Variant summary: EVC c.90_91insT (p.Ala31CysfsX42) results in a premature termination codon, predicted to cause a truncation of the encoded protein or absence of the protein due to nonsense mediated decay, which are commonly known mechanisms for disease. The variant was absent in 3982 control chromosomes (gnomAD). To our knowledge, no occurrence of c.90_91insT in individuals affected with EVC-related conditions and no experimental evidence demonstrating its impact on protein function have been reported. ClinVar contains an entry for this variant (Variation ID: 3590624). Based on the evidence outlined above, the variant was classified as pathogenic.

Fulgent Genetics
Classification: Likely pathogenic for Curry-Hall syndrome; Ellis-van Creveld syndrome. Last evaluated: 2024-03-24. Review status: criteria provided, single submitter. Criteria: ACMG Guidelines, 2015. Collection method: clinical testing. Allele origin: germline.

NM_153717.3(EVC):c.90_91insT (p.Ala31fs)

Gene: EVC (EvC ciliary complex subunit 1; plus strand). Cytogenetic location: 4p16.2.
Variant type: Insertion.
Coding change: c.90_91insT on transcript NM_153717.3 (MANE Select); coding-DNA positions 90 to 91, T inserted.
Protein change: p.Ala31fs; shifts the reading frame from alanine 31.
Molecular consequence: frameshift variant.
Genome position: GRCh38 VCF-style: chr4-5711470-C-CT. GRCh37 (hg19) VCF-style: chr4-5713197-C-CT.
Other names: c.90_91insT, p.Ala31fs (NM_001306090.2, NM_001306092.2); short protein forms A31fs.
Identifiers: ClinVar variation 3590624 (VCV003590624.2).